The following is an entry in ClinVar:

ClinVar aggregate classification (germline): Uncertain significance (1 of 4 stars; one submission).

Conditions:
Marshall-Smith syndrome (MRSHSS). Identifiers: Orphanet 561, MedGen C0265211, MONDO:0011244, OMIM 602535.
Malan overgrowth syndrome (MALNS). Also called: Sotos syndrome 2; MALAN SYNDROME; NFIX-Related Malan Syndrome. Identifiers: Orphanet 420179, MedGen C3553660, MONDO:0013885, OMIM 614753.

gnomAD v4.1: 7 of 1,613,820 alleles (0.00043%); highest among the groups gnomAD compares: Middle Eastern, 0.016%; no homozygotes.

Submission:

Labcorp Genetics (formerly Invitae), Labcorp
Classification: Uncertain significance for Malan overgrowth syndrome; Marshall-Smith syndrome. Last evaluated: 2025-12-21. Review status: criteria provided, single submitter. Criteria: Invitae Variant Classification Sherloc (09022015). Collection method: clinical testing. Allele origin: germline.
Comment: This sequence change replaces serine, which is neutral and polar, with leucine, which is neutral and non-polar, at codon 417 of the NFIX protein (p.Ser417Leu). This variant is present in population databases (no rsID available, gnomAD no frequency). This variant has not been reported in the literature in individuals affected with NFIX-related conditions. Experimental studies and prediction algorithms are not available or were not evaluated, and the functional significance of this variant is currently unknown. In summary, the available evidence is currently insufficient to determine the role of this variant in disease. Therefore, it has been classified as a Variant of Uncertain Significance.

NM_001365902.3(NFIX):c.1226C>T (p.Ser409Leu)

Gene: NFIX (nuclear factor I X; plus strand). Cytogenetic location: 19p13.13.
Variant type: single nucleotide variant.
Coding change: c.1226C>T on transcript NM_001365902.3 (MANE Select); coding-DNA position 1226, C replaced by T.
Protein change: p.Ser409Leu; replaces serine 409 with leucine.
Molecular consequence: missense variant.
Genome position (GRCh38, 1-based): chr19:13,081,827, C>T. VCF-style: chr19-13081827-C-T. GRCh37 (hg19) VCF-style: chr19-13192641-C-T.
Other names: c.1250C>T, p.Ser417Leu (NM_001271043.2); c.1202C>T, p.Ser401Leu (NM_001271044.3, NM_001378404.1); c.1103C>T, p.Ser368Leu (NM_001365982.2); c.1085C>T, p.Ser362Leu (NM_001365983.2); c.1223C>T, p.Ser408Leu (NM_001365984.2, NM_001365985.2); c.1274C>T, p.Ser425Leu (NM_001378405.1); c.1079C>T, p.Ser360Leu (NM_001440616.1, NM_001440617.1); c.1226C>T, p.Ser409Leu (NM_002501.4); short protein forms S368L, S401L, S409L, S360L, S362L, S425L, S408L, S417L.
Identifiers: ClinVar variation 4788476 (VCV004788476.1).
Genomic context (GRCh38, chr19:13,081,827, plus strand): 5'-TCCGCTACCACCACCACCACGGGCAGGACTCACTGAAGGAGTTTGTGCAGTTTGTGTGCT[C>T]GGATGGCTCGGGCCAGGCCACCGGACAGGTGAGTCCAGAGGGCCCCAGGAGCCCGGCTAC-3'
Protein context (NP_001352831.1, residues 399-419): SLKEFVQFVC[Ser409Leu]DGSGQATGQP